The following is an entry in ClinVar:

NM_017763.6(RNF43):c.483G>A (p.Val161=)

Gene: RNF43 (ring finger protein 43; minus strand). Cytogenetic location: 17q22.
Variant type: single nucleotide variant.
Coding change: c.483G>A on transcript NM_017763.6 (MANE Select); coding-DNA position 483, G replaced by A.
Protein change: p.Val161=; no amino-acid change (valine 161 retained).
Molecular consequence: synonymous variant.
Genome position (GRCh38, 1-based): chr17:58,363,374, C>T on the plus strand (G>A on the coding strand, the complement: RNF43 is on the minus strand). VCF-style: chr17-58363374-C-T. GRCh37 (hg19) VCF-style: chr17-56440735-C-T.
Other names: c.483G>A, p.Val161= (NM_001305544.3); c.102G>A, p.Val34= (NM_001305545.2).
Identifiers: ClinVar variation 1583468 (VCV001583468.11), dbSNP rs190547268, ClinGen allele CA8673402.

ClinVar aggregate classification (germline): Conflicting classifications of pathogenicity. Review status: criteria provided, conflicting classifications (1 of 4 stars). 4 submissions from 4 submitters: Uncertain significance (1); Benign (1); Likely benign (2). Last evaluated 2026-06-30.

Conditions:
Sessile serrated polyposis cancer syndrome (SSPCS). Identifiers: Orphanet 157798, MedGen C4310714, MONDO:0014919, OMIM 617108.

Allele frequency attached by ClinVar (database versions not stated): gnomAD 0.00001 and 0.00002; ExAC 0.00002; gnomAD exomes 0.00004 and 0.00001; TOPMed 0.00002; 1000 Genomes Project 30x 0.00016; 1000 Genomes Project 0.00020.
gnomAD v4.1: 11 of 1,614,178 alleles (0.00068%); highest among the groups gnomAD compares: Admixed American, 0.018%; no homozygotes.

Submissions (4):

Myriad Genetics, Inc.
Classification: Benign for Sessile serrated polyposis cancer syndrome. Last evaluated: 2026-06-30. Review status: criteria provided, single submitter. Criteria: Myriad Autosomal Dominant, Autosomal Recessive and X-Linked Classification Criteria (2023). Collection method: clinical testing. Allele origin: unknown.
Comment: This variant is considered benign. This variant is a silent/synonymous amino acid change and it is not expected to impact splicing.

Ambry Genetics
Classification: Likely benign. Last evaluated: 2024-12-06. Review status: criteria provided, single submitter. Criteria: Ambry Variant Classification Scheme 2023. Collection method: clinical testing. Allele origin: germline.

GeneDx
Classification: Uncertain significance. Last evaluated: 2024-07-12. Review status: criteria provided, single submitter. Criteria: GeneDx Variant Classification Process June 2021. Collection method: clinical testing. Allele origin: germline. Affected: yes.
Comment: In silico analysis indicates that this variant does not alter splicing; Has not been previously published as pathogenic or benign to our knowledge; Variants in candidate genes are classified as variants of uncertain significance in accordance with ACMG guidelines (PMID: 25741868)

Labcorp Genetics (formerly Invitae), Labcorp
Classification: Likely benign. Last evaluated: 2021-08-09. Review status: criteria provided, single submitter. Criteria: Invitae Variant Classification Sherloc (09022015). Collection method: clinical testing. Allele origin: germline.